The following is an entry in ClinVar:

NM_022343.4(GLIPR2):c.13+61C>A

Genes: GLIPR2 (GLI pathogenesis related 2; plus strand), LOC130001744 (ATAC-STARR-seq lymphoblastoid silent region 19888; plus strand). Cytogenetic location: 9p13.3.
Variant type: single nucleotide variant.
Coding change: c.13+61C>A on transcript NM_022343.4 (MANE Select); 61 bases into the intron after coding-DNA position 13, C replaced by A.
Molecular consequence: intron variant. On other transcripts: synonymous variant (2).
Genome position (GRCh38, 1-based): chr9:36,136,852, C>A. VCF-style: chr9-36136852-C-A. GRCh37 (hg19) VCF-style: chr9-36136849-C-A.
Other names: c.33C>A, p.Ala11= (NM_001287013.2, NM_001287014.2); c.13+61C>A (NM_001287011.2, NM_001287010.2, NM_001287012.2).
Identifiers: ClinVar variation 2659191 (VCV002659191.24), dbSNP rs1824841969, ClinGen allele CA2579337859.

ClinVar aggregate classification (germline): Likely benign (1 of 4 stars; one submission).

gnomAD v4.1: 1 of 1,258,420 alleles (0.000079%); highest among the groups gnomAD compares: East Asian, 0.0032%; no homozygotes.

Submission:

CeGaT Center for Human Genetics Tuebingen
Classification: Likely benign. Last evaluated: 2023-02-01. Review status: criteria provided, single submitter. Criteria: CeGaT Center For Human Genetics Tuebingen Variant Classification Criteria Version 2. Collection method: clinical testing. Allele origin: germline. Affected: yes. Observed: 1 variant allele.
Comment: GLIPR2: PM2:Supporting, BP4, BP7